The following is an entry in ClinVar:

ClinVar aggregate classification (germline): Uncertain significance (1 of 4 stars; one submission).

Conditions:
Multiple system atrophy 1, susceptibility to. Also called: MSA1, SUSCEPTIBILITY TO. Identifiers: MedGen C3714927, MONDO:0020715, OMIM 146500.

Submission:

OLLIN Analises Genomicas, OLLIN
Classification: Uncertain significance for Multiple system atrophy 1, susceptibility to. Last evaluated: 2026-08-06. Review status: criteria provided, single submitter. Criteria: ACMG Guidelines 2015 PMID 25741868. Collection method: clinical testing. Allele origin: germline. Inheritance: Autosomal recessive inheritance.
Comment: This missense variant, located in exon 3 (of 7), is absent from gnomAD and ClinVar and has not been identified in the literature. In silico analysis predicts that this variant has a tolerated effect. According to the currently available evidence, this variant has been classified as uncertain significance (PM2_P, BP4_M).

NM_001358921.2(COQ2):c.425C>T (p.Thr142Ile)

Gene: COQ2 (coenzyme Q2, polyprenyltransferase; minus strand). Cytogenetic location: 4q21.23.
Variant type: single nucleotide variant.
Coding change: c.425C>T on transcript NM_001358921.2 (MANE Select); coding-DNA position 425, C replaced by T.
Protein change: p.Thr142Ile; replaces threonine 142 with isoleucine.
Molecular consequence: missense variant.
Genome position (GRCh38, 1-based): chr4:83,273,613, G>A on the plus strand (C>T on the coding strand, the complement: COQ2 is on the minus strand). VCF-style: chr4-83273613-G-A. GRCh37 (hg19) VCF-style: chr4-84194766-G-A.
Other names: c.575C>T, p.Thr192Ile (NM_015697.9); short protein forms T142I, T192I.
Identifiers: ClinVar variation 5002669 (VCV005002669.1).
Genomic context (GRCh38, chr4:83,273,613, plus strand): 5'-AAAACAAAGGACTGAAAAGTTGAAATGTCTCCAGCGGCTATTGGACGATTGGCTGTTCTT[G>A]TAACCTTAAAACATAAAAACAGATACCTTAGCTTCATGTAATGACTCAATCATTTATTTA-3'
Protein context (NP_001345850.1, residues 132-152): MWDQDYDKKV[Thr142Ile]RTANRPIAAG